The following is an entry in ClinVar:

NM_000505.4(F12):c.819C>A (p.Ile273=)

Gene: F12 (coagulation factor XII; minus strand). Cytogenetic location: 5q35.3.
Variant type: single nucleotide variant.
Coding change: c.819C>A on transcript NM_000505.4 (MANE Select); coding-DNA position 819, C replaced by A.
Protein change: p.Ile273=; no amino-acid change (isoleucine 273 retained).
Molecular consequence: synonymous variant.
Genome position (GRCh38, 1-based): chr5:177,404,395, G>T on the plus strand (C>A on the coding strand, the complement: F12 is on the minus strand). VCF-style: chr5-177404395-G-T. GRCh37 (hg19) VCF-style: chr5-176831396-G-T.
Identifiers: ClinVar variation 4822770 (VCV004822770.4).

ClinVar aggregate classification (germline): Likely benign (1 of 4 stars; one submission).

gnomAD v4.1: 2 of 1,611,926 alleles (0.00012%); highest among the groups gnomAD compares: African/African-American, 0.0027%; no homozygotes.

Submission:

CeGaT Center for Human Genetics Tuebingen
Classification: Likely benign. Last evaluated: 2026-02-01. Review status: criteria provided, single submitter. Criteria: CeGaT Center For Human Genetics Tuebingen Variant Classification Criteria Version 2. Collection method: clinical testing. Allele origin: germline. Affected: yes. Observed: 1 variant allele.
Comment: F12: BP4, BP7